The following is an entry in ClinVar:

NM_000321.3(RB1):c.1946T>G (p.Leu649Arg)

Gene: RB1 (RB transcriptional corepressor 1; plus strand). Cytogenetic location: 13q14.2.
Variant type: single nucleotide variant.
Coding change: c.1946T>G on transcript NM_000321.3 (MANE Select); coding-DNA position 1946, T replaced by G.
Protein change: p.Leu649Arg; replaces leucine 649 with arginine.
Molecular consequence: missense variant.
Genome position (GRCh38, 1-based): chr13:48,456,335, T>G. VCF-style: chr13-48456335-T-G. GRCh37 (hg19) VCF-style: chr13-49030471-T-G.
Other names: c.1946T>G, p.Leu649Arg (NM_001407165.1); short protein forms L649R.
Identifiers: ClinVar variation 1783141 (VCV001783141.9), dbSNP rs768484859, ClinGen allele CA033062.

ClinVar aggregate classification (germline): Uncertain significance. Review status: criteria provided, multiple submitters, no conflicts (2 of 4 stars). 4 submissions from 4 submitters: Uncertain significance (4). Last evaluated 2026-07-09.

Conditions:
Retinoblastoma (RB1). Also called: RETINOBLASTOMA, SOMATIC. Identifiers: Orphanet 790, MedGen C0035335, MeSH D012175, MONDO:0008380, OMIM 180200, HP:0009919. Disease mechanism: loss of function. Inheritance: Both sporadic and heritable forms are tested..
Hereditary cancer-predisposing syndrome. Also called: Hereditary Cancer Syndrome; Hereditary neoplastic syndrome; Neoplastic Syndromes, Hereditary; Tumor predisposition. Identifiers: Orphanet 140162, MedGen C0027672, MeSH D009386, MONDO:0015356.

Allele frequency attached by ClinVar (database versions not stated): ExAC 0.00002.
gnomAD v4.1: 2 of 1,614,164 alleles (0.00012%); highest among the groups gnomAD compares: Admixed American, 0.0033%; no homozygotes.

Submissions (4):

Ambry Genetics
Classification: Uncertain significance for Hereditary cancer-predisposing syndrome. Last evaluated: 2026-07-09. Review status: criteria provided, single submitter. Criteria: Ambry Variant Classification Scheme 2023. Collection method: clinical testing. Allele origin: germline.
Comment: The p.L649R variant (also known as c.1946T>G), located in coding exon 19 of the RB1 gene, results from a T to G substitution at nucleotide position 1946. The leucine at codon 649 is replaced by arginine, an amino acid with dissimilar properties. This variant was detected in individual(s) with no reported features of RB1-related retinoblastoma (Ambry internal data). This amino acid position is highly conserved in available vertebrate species. In addition, this alteration is predicted to be deleterious by in silico analysis. Based on the available evidence, the clinical significance of this variant remains unclear.

GeneDx
Classification: Uncertain significance. Last evaluated: 2026-04-12. Review status: criteria provided, single submitter. Criteria: GeneDx Variant Classification Process June 2021. Collection method: clinical testing. Allele origin: germline.
Comment: Not observed at significant frequency in large population cohorts (gnomAD); In silico analysis supports that this missense variant has a deleterious effect on protein structure/function; Has not been previously published as pathogenic or benign to our knowledge; This variant is associated with the following publications: (PMID: 23516486, Dayalan_2006_Review)

Labcorp Genetics (formerly Invitae), Labcorp
Classification: Uncertain significance for Retinoblastoma. Last evaluated: 2025-02-10. Review status: criteria provided, single submitter. Criteria: Invitae Variant Classification Sherloc (09022015). Collection method: clinical testing. Allele origin: germline.
Comment: This sequence change replaces leucine, which is neutral and non-polar, with arginine, which is basic and polar, at codon 649 of the RB1 protein (p.Leu649Arg). This variant is present in population databases (rs768484859, gnomAD 0.003%). This variant has not been reported in the literature in individuals affected with RB1-related conditions. ClinVar contains an entry for this variant (Variation ID: 1783141). Invitae Evidence Modeling of protein sequence and biophysical properties (such as structural, functional, and spatial information, amino acid conservation, physicochemical variation, residue mobility, and thermodynamic stability) indicates that this missense variant is expected to disrupt RB1 protein function with a positive predictive value of 80%. In summary, the available evidence is currently insufficient to determine the role of this variant in disease. Therefore, it has been classified as a Variant of Uncertain Significance.

Revvity Omics, Revvity
Classification: Uncertain significance for Retinoblastoma. Last evaluated: 2024-09-12. Review status: criteria provided, single submitter. Criteria: ACMG Guidelines, 2015. Collection method: clinical testing. Allele origin: germline.